The following is an entry in ClinVar:

ClinVar aggregate classification (germline): Uncertain significance (1 of 4 stars; one submission).

Submission:

Labcorp Genetics (formerly Invitae), Labcorp
Classification: Uncertain significance. Last evaluated: 2024-10-14. Review status: criteria provided, single submitter. Criteria: Invitae Variant Classification Sherloc (09022015). Collection method: clinical testing. Allele origin: germline.
Comment: This sequence change replaces glutamic acid, which is acidic and polar, with glycine, which is neutral and non-polar, at codon 208 of the WDR62 protein (p.Glu208Gly). This variant is not present in population databases (gnomAD no frequency). This variant has not been reported in the literature in individuals affected with WDR62-related conditions. ClinVar contains an entry for this variant (Variation ID: 2127200). Invitae Evidence Modeling of protein sequence and biophysical properties (such as structural, functional, and spatial information, amino acid conservation, physicochemical variation, residue mobility, and thermodynamic stability) indicates that this missense variant is expected to disrupt WDR62 protein function with a positive predictive value of 80%. Algorithms developed to predict the effect of sequence changes on RNA splicing suggest that this variant may disrupt the consensus splice site. In summary, the available evidence is currently insufficient to determine the role of this variant in disease. Therefore, it has been classified as a Variant of Uncertain Significance.

NM_001083961.2(WDR62):c.623A>G (p.Glu208Gly)

Gene: WDR62 (WD repeat domain 62; plus strand). Cytogenetic location: 19q13.12.
Variant type: single nucleotide variant.
Coding change: c.623A>G on transcript NM_001083961.2 (MANE Select); coding-DNA position 623, A replaced by G.
Protein change: p.Glu208Gly; replaces glutamic acid 208 with glycine.
Molecular consequence: missense variant.
Genome position (GRCh38, 1-based): chr19:36,067,367, A>G. VCF-style: chr19-36067367-A-G. GRCh37 (hg19) VCF-style: chr19-36558269-A-G.
Other names: c.623A>G, p.Glu208Gly (NM_001411145.1, NM_001411146.1, NM_001411147.1 and 1 more transcripts); short protein forms E208G.
Identifiers: ClinVar variation 2127200 (VCV002127200.4), dbSNP rs2513449496, ClinGen allele CA405428874.